The following is an entry in ClinVar:

NM_025193.4(HSD3B7):c.1056T>C (p.Asp352=)

Gene: HSD3B7 (hydroxy-delta-5-steroid dehydrogenase, 3 beta- and steroid delta-isomerase 7; plus strand). Cytogenetic location: 16p11.2.
Variant type: single nucleotide variant.
Coding change: c.1056T>C on transcript NM_025193.4 (MANE Select); coding-DNA position 1056, T replaced by C.
Protein change: p.Asp352=; no amino-acid change (aspartic acid 352 retained).
Molecular consequence: synonymous variant. On other transcripts: 3 prime UTR variant (2).
Genome position (GRCh38, 1-based): chr16:30,988,129, T>C. VCF-style: chr16-30988129-T-C. GRCh37 (hg19) VCF-style: chr16-30999450-T-C.
Other names: c.*302T>C (NM_001142777.2, NM_001142778.2).
Identifiers: ClinVar variation 5039622 (VCV005039622.1).

ClinVar aggregate classification (germline): Likely benign (1 of 4 stars; one submission).

Submission:

CeGaT Center for Human Genetics Tuebingen
Classification: Likely benign. Last evaluated: 2026-07-01. Review status: criteria provided, single submitter. Criteria: CeGaT Center For Human Genetics Tuebingen Variant Classification Criteria Version 2. Collection method: clinical testing. Allele origin: germline. Affected: yes. Observed: 1 variant allele.
Comment: HSD3B7: BP4, BP7